The following is an entry in ClinVar:

ClinVar aggregate classification (germline): Likely benign. Review status: reviewed by expert panel (3 of 4 stars). 3 submissions from 3 submitters: Likely benign (1). 2 of the submissions do not count toward it. Last evaluated 2017-06-29.

Conditions:
Hereditary cancer-predisposing syndrome. Also called: Hereditary neoplastic syndrome; Hereditary Cancer Syndrome; Neoplastic Syndromes, Hereditary; Tumor predisposition. Identifiers: Orphanet 140162, MedGen C0027672, MeSH D009386, MONDO:0015356.
Breast-ovarian cancer, familial, susceptibility to, 2 (BROVCA2). Also called: BRCA2 Hereditary Breast and Ovarian Cancer. Identifiers: Orphanet 145, MedGen C2675520, MONDO:0012933, OMIM 612555. Disease mechanism: loss of function.
Hereditary breast ovarian cancer syndrome. Also called: Hereditary breast and ovarian cancer syndrome; BRCA1- and BRCA2-Associated Hereditary Breast and Ovarian Cancer; Hereditary breast and/or ovarian cancer syndrome; Hereditary breast and ovarian cancer; Breast and ovarian cancer; Hereditary breast and ovarian cancer syndrome (HBOC). Identifiers: Orphanet 145, MedGen C0677776, MeSH D061325, MONDO:0003582. Disease mechanism: loss of function.

Allele frequency attached by ClinVar (database versions not stated): gnomAD exomes below 0.00001; ExAC 0.00001.
gnomAD v4.1: 1 of 1,614,110 alleles (0.000062%); highest among the groups gnomAD compares: Non-Finnish European, 0.000085%; no homozygotes.

Submissions (3):

Evidence-based Network for the Interpretation of Germline Mutant Alleles (ENIGMA)
Classification: Likely benign for Breast-ovarian cancer, familial, susceptibility to, 2. Last evaluated: 2017-06-29. Review status: reviewed by expert panel. Criteria: ENIGMA BRCA1/2 Classification Criteria (2017-06-29). Collection method: curation. Allele origin: germline.
Comment: Synonymous substitution variant, with low bioinformatic likelihood to result in a splicing aberration (Splicing prior probability 0.02).

Labcorp Genetics (formerly Invitae), Labcorp
Classification: Likely benign for Hereditary breast ovarian cancer syndrome. Last evaluated: 2024-08-04. Review status: criteria provided, single submitter. Criteria: Invitae Variant Classification Sherloc (09022015). Collection method: clinical testing. Allele origin: germline. Not counted in ClinVar's aggregate classification.

Ambry Genetics
Classification: Likely benign for Hereditary cancer-predisposing syndrome. Last evaluated: 2024-03-09. Review status: criteria provided, single submitter. Criteria: Ambry Variant Classification Scheme 2023. Collection method: clinical testing. Allele origin: germline. Not counted in ClinVar's aggregate classification.

NM_000059.4(BRCA2):c.9594T>C (p.Cys3198=)

Gene: BRCA2 (BRCA2 DNA repair associated; plus strand). Cytogenetic location: 13q13.1.
Variant type: single nucleotide variant.
Coding change: c.9594T>C on transcript NM_000059.4 (MANE Select); coding-DNA position 9594, T replaced by C.
Protein change: p.Cys3198=; no amino-acid change (cysteine 3198 retained).
Molecular consequence: synonymous variant.
Genome position (GRCh38, 1-based): chr13:32,396,990, T>C. VCF-style: chr13-32396990-T-C. GRCh37 (hg19) VCF-style: chr13-32971127-T-C.
Identifiers: ClinVar variation 427514 (VCV000427514.13), dbSNP rs769582388, ClinGen allele CA6941415.